The following is an entry in ClinVar:

NM_138927.4(SON):c.3550A>C (p.Thr1184Pro)

Gene: SON (SON DNA and RNA binding protein; plus strand). Cytogenetic location: 21q22.11.
Variant type: single nucleotide variant.
Coding change: c.3550A>C on transcript NM_138927.4 (MANE Select); coding-DNA position 3550, A replaced by C.
Protein change: p.Thr1184Pro; replaces threonine 1184 with proline.
Molecular consequence: missense variant. On other transcripts: non-coding transcript variant (1), intron variant (1).
Genome position (GRCh38, 1-based): chr21:33,552,781, A>C. VCF-style: chr21-33552781-A-C. GRCh37 (hg19) VCF-style: chr21-34925087-A-C.
Other names: c.3550A>C, p.Thr1184Pro (NM_001291411.2, NM_001412133.1, NM_032195.3 and 2 more transcripts); c.245-4375A>C (NM_001291412.3); short protein forms T1184P.
Identifiers: ClinVar variation 1719335 (VCV001719335.5), dbSNP rs2085838076, ClinGen allele CA410160435.

ClinVar aggregate classification (germline): Uncertain significance (1 of 4 stars; one submission).

Submission:

Labcorp Genetics (formerly Invitae), Labcorp
Classification: Uncertain significance. Last evaluated: 2023-01-27. Review status: criteria provided, single submitter. Criteria: Invitae Variant Classification Sherloc (09022015). Collection method: clinical testing. Allele origin: germline.
Comment: In summary, the available evidence is currently insufficient to determine the role of this variant in disease. Therefore, it has been classified as a Variant of Uncertain Significance. Algorithms developed to predict the effect of missense changes on protein structure and function are either unavailable or do not agree on the potential impact of this missense change (SIFT: "Deleterious"; PolyPhen-2: "Possibly Damaging"; Align-GVGD: "Class C0"). ClinVar contains an entry for this variant (Variation ID: 1719335). This variant has not been reported in the literature in individuals affected with SON-related conditions. This variant is not present in population databases (gnomAD no frequency). This sequence change replaces threonine, which is neutral and polar, with proline, which is neutral and non-polar, at codon 1184 of the SON protein (p.Thr1184Pro).